The following is an entry in ClinVar:

NM_000168.6(GLI3):c.974G>A (p.Arg325His)

Gene: GLI3 (GLI family zinc finger 3; minus strand). Cytogenetic location: 7p14.1.
Variant type: single nucleotide variant.
Coding change: c.974G>A on transcript NM_000168.6 (MANE Select); coding-DNA position 974, G replaced by A.
Protein change: p.Arg325His; replaces arginine 325 with histidine.
Molecular consequence: missense variant.
Genome position (GRCh38, 1-based): chr7:42,040,092, C>T on the plus strand (G>A on the coding strand, the complement: GLI3 is on the minus strand). VCF-style: chr7-42040092-C-T. GRCh37 (hg19) VCF-style: chr7-42079691-C-T.
Other names: c.974G>A (NM_000168.5); short protein forms R325H.
Identifiers: ClinVar variation 810088 (VCV000810088.45), dbSNP rs781356257, ClinGen allele CA4231007.

ClinVar aggregate classification (germline): Uncertain significance. Review status: criteria provided, multiple submitters, no conflicts (2 of 4 stars). 4 submissions from 4 submitters: Uncertain significance (4). Last evaluated 2025-08-05.

Conditions:
Polysyndactyly 4. Also called: Polysyndactyly uncomplicated; Preaxial polydactyly 4. Identifiers: Orphanet 93338, MedGen C1868111, MONDO:0008272, OMIM 174700.
Pallister-Hall syndrome (PHS). Also called: GLI3-Related Pallister-Hall Syndrome; HYPOTHALAMIC HAMARTOBLASTOMA, HYPOPITUITARISM, IMPERFORATE ANUS, AND POSTAXIAL POLYDACTYLY. Identifiers: Orphanet 672, MedGen C0265220, MONDO:0007804, OMIM 146510.
Polydactyly, postaxial, type A1. Identifiers: MedGen C4282400, MONDO:0008266, OMIM 174200.
Greig cephalopolysyndactyly syndrome (GCPS). Also called: GLI3-Related Greig Cephalopolysyndactyly Syndrome; POLYSYNDACTYLY WITH PECULIAR SKULL SHAPE; Greig syndrome. Identifiers: Orphanet 380, MedGen C0265306, MONDO:0008287, OMIM 175700.

Allele frequency attached by ClinVar (database versions not stated): ExAC 0.00002; gnomAD exomes 0.00003; TOPMed 0.00003.
gnomAD v4.1: 61 of 1,613,964 alleles (0.0038%); highest among the groups gnomAD compares: Admixed American, 0.0083%; no homozygotes.

Submissions (4):

GeneDx
Classification: Uncertain significance. Last evaluated: 2025-08-05. Review status: criteria provided, single submitter. Criteria: GeneDx Variant Classification Process June 2021. Collection method: clinical testing. Allele origin: germline. Affected: yes.
Comment: In silico analysis supports that this missense variant has a deleterious effect on protein structure/function; Has not been previously published as pathogenic or benign to our knowledge

Fulgent Genetics
Classification: Uncertain significance for Pallister-Hall syndrome; Polydactyly, postaxial, type A1; Polysyndactyly 4; Greig cephalopolysyndactyly syndrome. Last evaluated: 2021-09-20. Review status: criteria provided, single submitter. Criteria: ACMG Guidelines, 2015. Collection method: clinical testing. Allele origin: unknown.

CeGaT Center for Human Genetics Tuebingen
Classification: Uncertain significance. Last evaluated: 2018-10-01. Review status: criteria provided, single submitter. Criteria: CeGaT Center For Human Genetics Tuebingen Variant Classification Criteria Version 2. Collection method: clinical testing. Allele origin: germline. Affected: yes. Observed: 1 variant allele.

Juno Genomics, Hangzhou Juno Genomics, Inc
Classification: Uncertain significance for Greig cephalopolysyndactyly syndrome; Pallister-Hall syndrome; Polydactyly, postaxial, type A1; Polysyndactyly 4. Review status: criteria provided, single submitter. Criteria: ACMG Guidelines, 2015. Collection method: clinical testing. Allele origin: germline.
Comment: Absent from controls (or at extremely low frequency if recessive) in Genome Aggregation Database.